The following is an entry in ClinVar:

NM_001122769.3(LCA5):c.629_630del (p.Ile209_Ser210insTer)

Gene: LCA5 (lebercilin LCA5; minus strand). Cytogenetic location: 6q14.1.
Variant type: Microsatellite.
Coding change: c.629_630del on transcript NM_001122769.3 (MANE Select); coding-DNA positions 629 to 630, 2 bases deleted (CT; older notation c.629_630delCT).
Protein change: p.Ile209_Ser210insTer.
Molecular consequence: nonsense.
Genome position (GRCh38, 1-based): chr6:79,513,302-79,513,303, AG deleted on the plus strand (CT on the coding strand, the reverse complement: LCA5 is on the minus strand); deleting any 2 consecutive bases within chr6:79,513,302-79,513,306 gives the same sequence; the c. name uses the placement nearest the transcript's 3' end. VCF-style (leftmost placement, unchanged base first): chr6-79513301-CAG-C. GRCh37 (hg19) VCF-style: chr6-80223018-CAG-C.
Other names: c.629_630del, p.Ile209_Ser210insTer (NM_181714.4).
Identifiers: ClinVar variation 2713069 (VCV002713069.3), dbSNP rs2533438454, ClinGen allele CA2697553582.
Genomic context (GRCh38, chr6:79,513,301, plus strand): 5'-TTAACTCTGCTGAAACTAGTTTCTTTGCCAAATCATCTCGTTCAGGTAGGTGTCTAGCTT[CAG>C]AGATCTCTTTCAGTTTCTGTAAGGAAAATTTTGTCCTAAATAGTTCACTTTCTGTATCTT-3'

ClinVar aggregate classification (germline): Pathogenic (1 of 4 stars; one submission).

Submission:

Labcorp Genetics (formerly Invitae), Labcorp
Classification: Pathogenic. Last evaluated: 2024-04-10. Review status: criteria provided, single submitter. Criteria: Invitae Variant Classification Sherloc (09022015). Collection method: clinical testing. Allele origin: germline.
Comment: This sequence change creates a premature translational stop signal (p.Ser210*) in the LCA5 gene. It is expected to result in an absent or disrupted protein product. Loss-of-function variants in LCA5 are known to be pathogenic (PMID: 17546029, 23946133). This variant is not present in population databases (gnomAD no frequency). This variant has not been reported in the literature in individuals affected with LCA5-related conditions. For these reasons, this variant has been classified as Pathogenic.

Literature cited by the submitters: PubMed 17546029; PubMed 23946133.